The following is an entry in ClinVar:

NM_001256789.3(CACNA1F):c.4792G>A (p.Ala1598Thr)

Genes: CACNA1F (calcium voltage-gated channel subunit alpha1 F; minus strand), LOC126863257 (BRD4-independent group 4 enhancer GRCh37_chrX:49065732-49066931; plus strand). Cytogenetic location: Xp11.23.
Variant type: single nucleotide variant.
Coding change: c.4792G>A on transcript NM_001256789.3 (MANE Select); coding-DNA position 4792, G replaced by A.
Protein change: p.Ala1598Thr; replaces alanine 1598 with threonine.
Molecular consequence: missense variant.
Genome position (GRCh38, 1-based): chrX:49,209,658, C>T on the plus strand (G>A on the coding strand, the complement: CACNA1F is on the minus strand). VCF-style: chrX-49209658-C-T. GRCh37 (hg19) VCF-style: chrX-49066118-C-T.
Other names: c.4630G>A, p.Ala1544Thr (NM_001256790.3); c.4825G>A, p.Ala1609Thr (NM_005183.4); short protein forms A1544T, A1609T, A1598T.
Identifiers: ClinVar variation 1912479 (VCV001912479.6), dbSNP rs373277911, ClinGen allele CA10410123.

ClinVar aggregate classification (germline): Conflicting classifications of pathogenicity. Review status: criteria provided, conflicting classifications (1 of 4 stars). 2 submissions from 2 submitters: Uncertain significance (1); Likely benign (1). Last evaluated 2025-03-20.

Allele frequency attached by ClinVar (database versions not stated): ExAC 0.00007; gnomAD 0.00007; TOPMed 0.00009; gnomAD exomes 0.00010; ESP Exome Variant Server 0.00019.
gnomAD v4.1: 111 of 1,209,486 alleles (0.0092%); highest among the groups gnomAD compares: Non-Finnish European, 0.012%; no homozygotes.

Submissions (2):

Labcorp Genetics (formerly Invitae), Labcorp
Classification: Uncertain significance. Last evaluated: 2025-03-20. Review status: criteria provided, single submitter. Criteria: Invitae Variant Classification Sherloc (09022015). Collection method: clinical testing. Allele origin: germline.
Comment: This sequence change replaces alanine, which is neutral and non-polar, with threonine, which is neutral and polar, at codon 1609 of the CACNA1F protein (p.Ala1609Thr). This variant is present in population databases (rs373277911, gnomAD 0.01%). This variant has not been reported in the literature in individuals affected with CACNA1F-related conditions. ClinVar contains an entry for this variant (Variation ID: 1912479). An algorithm developed to predict the effect of missense changes on protein structure and function (PolyPhen-2) suggests that this variant is likely to be tolerated. In summary, the available evidence is currently insufficient to determine the role of this variant in disease. Therefore, it has been classified as a Variant of Uncertain Significance.

Blueprint Genetics
Classification: Likely benign. Last evaluated: 2023-10-19. Review status: criteria provided, single submitter. Criteria: ACMG Guidelines, 2015. Collection method: clinical testing. Allele origin: germline.